The following is an entry in ClinVar:

NM_001042545.2(LTBP4):c.1703G>C (p.Arg568Pro)

Gene: LTBP4 (latent transforming growth factor beta binding protein 4; plus strand). Cytogenetic location: 19q13.2.
Variant type: single nucleotide variant.
Coding change: c.1703G>C on transcript NM_001042545.2 (MANE Select); coding-DNA position 1703, G replaced by C.
Protein change: p.Arg568Pro; replaces arginine 568 with proline.
Molecular consequence: missense variant.
Genome position (GRCh38, 1-based): chr19:40,610,550, G>C. VCF-style: chr19-40610550-G-C. GRCh37 (hg19) VCF-style: chr19-41116456-G-C.
Other names: c.1904G>C, p.Arg635Pro (NM_001042544.1); c.1793G>C, p.Arg598Pro (NM_003573.2); short protein forms R635P, R568P, R598P.
Identifiers: ClinVar variation 1389225 (VCV001389225.6), dbSNP rs1311443200, ClinGen allele CA405937060.

ClinVar aggregate classification (germline): Uncertain significance (1 of 4 stars; one submission).

Allele frequency attached by ClinVar (database versions not stated): gnomAD exomes below 0.00001.

Submission:

Labcorp Genetics (formerly Invitae), Labcorp
Classification: Uncertain significance. Last evaluated: 2021-10-25. Review status: criteria provided, single submitter. Criteria: Invitae Variant Classification Sherloc (09022015). Collection method: clinical testing. Allele origin: germline.
Comment: In summary, the available evidence is currently insufficient to determine the role of this variant in disease. Therefore, it has been classified as a Variant of Uncertain Significance. Experimental studies and prediction algorithms are not available or were not evaluated, and the functional significance of this variant is currently unknown. This variant has not been reported in the literature in individuals affected with LTBP4-related conditions. This variant is not present in population databases (gnomAD no frequency). This sequence change replaces arginine, which is basic and polar, with proline, which is neutral and non-polar, at codon 598 of the LTBP4 protein (p.Arg598Pro).